The following is an entry in ClinVar:

ClinVar aggregate classification (germline): Uncertain significance. Review status: criteria provided, multiple submitters, no conflicts (2 of 4 stars). 3 submissions from 3 submitters: Uncertain significance (3). Last evaluated 2022-10-17.

Conditions:
Congenital myasthenic syndrome 17. Identifiers: Orphanet 590, MedGen C4225377, MONDO:0014578, OMIM 616304.
Cenani-Lenz syndactyly syndrome. Also called: CENANI SYNDACTYLISM; SYNDACTYLY, TYPE VII. Identifiers: Orphanet 3258, MedGen C1859309, MONDO:0008931, OMIM 212780.
Sclerosteosis 2 (SOST2). Identifiers: Orphanet 3152, MedGen C3280402, MONDO:0013679, OMIM 614305.

Allele frequency attached by ClinVar (database versions not stated): TOPMed 0.00001; gnomAD 0.00002.
gnomAD v4.1: 22 of 1,614,018 alleles (0.0014%); highest among the groups gnomAD compares: Admixed American, 0.0033%; no homozygotes.

Submissions (3):

Labcorp Genetics (formerly Invitae), Labcorp
Classification: Uncertain significance for Cenani-Lenz syndactyly syndrome; Sclerosteosis 2; Congenital myasthenic syndrome 17. Last evaluated: 2022-10-17. Review status: criteria provided, single submitter. Criteria: Invitae Variant Classification Sherloc (09022015). Collection method: clinical testing. Allele origin: germline.
Comment: This sequence change replaces arginine, which is basic and polar, with cysteine, which is neutral and slightly polar, at codon 323 of the LRP4 protein (p.Arg323Cys). This variant is present in population databases (rs772004553, gnomAD 0.002%). This variant has not been reported in the literature in individuals affected with LRP4-related conditions. ClinVar contains an entry for this variant (Variation ID: 1410305). Algorithms developed to predict the effect of missense changes on protein structure and function are either unavailable or do not agree on the potential impact of this missense change (SIFT: "Deleterious"; PolyPhen-2: "Probably Damaging"; Align-GVGD: "Class C0"). In summary, the available evidence is currently insufficient to determine the role of this variant in disease. Therefore, it has been classified as a Variant of Uncertain Significance.

Fulgent Genetics
Classification: Uncertain significance for Cenani-Lenz syndactyly syndrome; Sclerosteosis 2; Congenital myasthenic syndrome 17. Last evaluated: 2022-01-04. Review status: criteria provided, single submitter. Criteria: ACMG Guidelines, 2015. Collection method: clinical testing. Allele origin: unknown.

Breakthrough Genomics
Classification: Uncertain significance. Review status: criteria provided, single submitter. Criteria: ACMG Guidelines, 2015. Collection method: not provided. Allele origin: germline. Inheritance: Autosomal recessive inheritance. Affected: yes.

NM_002334.4(LRP4):c.967C>T (p.Arg323Cys)

Gene: LRP4 (LDL receptor related protein 4; minus strand). Cytogenetic location: 11p11.2.
Variant type: single nucleotide variant.
Coding change: c.967C>T on transcript NM_002334.4 (MANE Select); coding-DNA position 967, C replaced by T.
Protein change: p.Arg323Cys; replaces arginine 323 with cysteine.
Molecular consequence: missense variant.
Genome position (GRCh38, 1-based): chr11:46,896,291, G>A on the plus strand (C>T on the coding strand, the complement: LRP4 is on the minus strand). VCF-style: chr11-46896291-G-A. GRCh37 (hg19) VCF-style: chr11-46917842-G-A.
Other names: short protein forms R323C.
Identifiers: ClinVar variation 1410305 (VCV001410305.5), dbSNP rs772004553, ClinGen allele CA5970314.